The following is an entry in ClinVar:

ClinVar aggregate classification (germline): Uncertain significance. Review status: criteria provided, multiple submitters, no conflicts (2 of 4 stars). 2 submissions from 2 submitters: Uncertain significance (2). Last evaluated 2026-05-26.

Conditions:
Neurofibromatosis, type 1 (NF1). Also called: NEUROFIBROMATOSIS, TYPE I, SOMATIC; Neurofibromatosis, type I; Peripheral type neurofibromatosis; VON RECKLINGHAUSEN DISEASE. Identifiers: Orphanet 636, MedGen C0027831, MONDO:0018975, OMIM 162200. Disease mechanism: loss of function.
Hereditary cancer-predisposing syndrome. Also called: Neoplastic Syndromes, Hereditary; Tumor predisposition; Hereditary Cancer Syndrome; Hereditary neoplastic syndrome. Identifiers: Orphanet 140162, MedGen C0027672, MeSH D009386, MONDO:0015356.
Cardiovascular phenotype. Identifiers: MedGen CN230736.

Submissions (2):

Ambry Genetics
Classification: Uncertain significance for Cardiovascular phenotype; Hereditary cancer-predisposing syndrome. Last evaluated: 2026-05-26. Review status: criteria provided, single submitter. Criteria: Ambry Variant Classification Scheme 2023. Collection method: clinical testing. Allele origin: germline.
Comment: The p.L1521F variant (also known as c.4561C>T), located in coding exon 34 of the NF1 gene, results from a C to T substitution at nucleotide position 4561. The leucine at codon 1521 is replaced by phenylalanine, an amino acid with highly similar properties. This amino acid position is highly conserved in available vertebrate species. In addition, this alteration is predicted to be deleterious by in silico analysis. Based on the available evidence, the clinical significance of this variant remains unclear.

Labcorp Genetics (formerly Invitae), Labcorp
Classification: Uncertain significance for Neurofibromatosis, type 1. Last evaluated: 2024-12-02. Review status: criteria provided, single submitter. Criteria: Invitae Variant Classification Sherloc (09022015). Collection method: clinical testing. Allele origin: germline.
Comment: This sequence change replaces leucine, which is neutral and non-polar, with phenylalanine, which is neutral and non-polar, at codon 1521 of the NF1 protein (p.Leu1521Phe). This variant is not present in population databases (gnomAD no frequency). This variant has not been reported in the literature in individuals affected with NF1-related conditions. ClinVar contains an entry for this variant (Variation ID: 1372975). Invitae Evidence Modeling of protein sequence and biophysical properties (such as structural, functional, and spatial information, amino acid conservation, physicochemical variation, residue mobility, and thermodynamic stability) indicates that this missense variant is expected to disrupt NF1 protein function with a positive predictive value of 95%. In summary, the available evidence is currently insufficient to determine the role of this variant in disease. Therefore, it has been classified as a Variant of Uncertain Significance.

NM_001042492.3(NF1):c.4624C>T (p.Leu1542Phe)

Gene: NF1 (neurofibromin 1; plus strand). Cytogenetic location: 17q11.2.
Variant type: single nucleotide variant.
Coding change: c.4624C>T on transcript NM_001042492.3 (MANE Select); coding-DNA position 4624, C replaced by T.
Protein change: p.Leu1542Phe; replaces leucine 1542 with phenylalanine.
Molecular consequence: missense variant.
Genome position (GRCh38, 1-based): chr17:31,261,757, C>T. VCF-style: chr17-31261757-C-T. GRCh37 (hg19) VCF-style: chr17-29588775-C-T.
Other names: c.4561C>T, p.Leu1521Phe (NM_000267.4); short protein forms L1521F, L1542F.
Identifiers: ClinVar variation 1372975 (VCV001372975.7), dbSNP rs1555619011, ClinGen allele CA399000261.